The following is an entry in ClinVar:

ClinVar aggregate classification (germline): Likely pathogenic (1 of 4 stars; one submission).

Conditions:
Autosomal recessive limb-girdle muscular dystrophy type 2J (LGMDR10). Also called: Limb-girdle muscular dystrophy, type 2J; MUSCULAR DYSTROPHY, LIMB-GIRDLE, AUTOSOMAL RECESSIVE 10. Identifiers: Orphanet 140922, MedGen C1837342, MONDO:0012127, OMIM 608807.
Dilated cardiomyopathy 1G (CMD1G). Identifiers: Orphanet 154, MedGen C1858763, MONDO:0011400, OMIM 604145.

Submission:

Labcorp Genetics (formerly Invitae), Labcorp
Classification: Likely pathogenic for Dilated cardiomyopathy 1G; Autosomal recessive limb-girdle muscular dystrophy type 2J. Last evaluated: 2024-07-23. Review status: criteria provided, single submitter. Criteria: Invitae Variant Classification Sherloc (09022015). Collection method: clinical testing. Allele origin: germline.
Comment: This sequence change creates a premature translational stop signal (p.Thr34551Asnfs*17) in the TTN gene. While this is not anticipated to result in nonsense mediated decay, it is expected to create a truncated TTN protein. This variant is not present in population databases (gnomAD no frequency). This variant has not been reported in the literature in individuals affected with TTN-related conditions. This variant is located in the M band of TTN (PMID: 25589632). Truncating variants in this region have been previously reported in individuals affected with autosomal recessive myopathy and muscular dystrophy (PMID: 18948003, 23975875, 24395473). Truncating variants in this region have also been identified in individuals affected with autosomal dominant dilated cardiomyopathy and/or cardio-related conditions (PMID: 27869827, 32964742, Invitae internal data). In summary, the currently available evidence indicates that the variant is pathogenic, but additional data are needed to prove that conclusively. Therefore, this variant has been classified as Likely Pathogenic.

Literature cited by the submitters: PubMed 25589632; PubMed 18948003; PubMed 23975875; PubMed 24395473; PubMed 27869827; PubMed 32964742.

NM_001267550.2(TTN):c.103651dup (p.Thr34551fs)

Genes: TTN-AS1 (TTN antisense RNA 1; plus strand), TTN (titin; minus strand). Cytogenetic location: 2q31.2.
Variant type: Duplication.
Coding change: c.103651dup on transcript NM_001267550.2 (MANE Select); coding-DNA position 103651, one base duplicated (A; older notation c.103651dupA).
Protein change: p.Thr34551fs; shifts the reading frame from threonine 34551.
Molecular consequence: frameshift variant.
Genome position (GRCh38, 1-based): chr2:178,532,964, T duplicated on the plus strand (A on the coding strand, the reverse complement: TTN is on the minus strand). VCF-style (leftmost placement, unchanged base first): chr2-178532963-G-GT. GRCh37 (hg19) VCF-style: chr2-179397690-G-GT.
Other names: c.98728dup, p.Thr32910fs (NM_001256850.1); c.76456dup, p.Thr25486fs (NM_003319.4); c.95947dup, p.Thr31983fs (NM_133378.4); c.76831dup, p.Thr25611fs (NM_133432.3); c.77032dup, p.Thr25678fs (NM_133437.4); short protein forms T25486fs, T25611fs, T25678fs, T31983fs, T32910fs, T34551fs.
Identifiers: ClinVar variation 3754328 (VCV003754328.2).